The following is an entry in ClinVar:

NM_001202.6(BMP4):c.615C>A (p.Val205=)

Gene: BMP4 (bone morphogenetic protein 4; minus strand). Cytogenetic location: 14q22.2.
Variant type: single nucleotide variant.
Coding change: c.615C>A on transcript NM_001202.6 (MANE Select); coding-DNA position 615, C replaced by A.
Protein change: p.Val205=; no amino-acid change (valine 205 retained).
Molecular consequence: synonymous variant.
Genome position (GRCh38, 1-based): chr14:53,950,644, G>T on the plus strand (C>A on the coding strand, the complement: BMP4 is on the minus strand). VCF-style: chr14-53950644-G-T. GRCh37 (hg19) VCF-style: chr14-54417362-G-T.
Other names: c.756C>A, p.Val252= (NM_001347912.1); c.426C>A, p.Val142= (NM_001347913.2, NM_001347915.2, NM_001347917.1); c.615C>A, p.Val205= (NM_001347914.2, NM_001347916.1, NM_130850.5 and 1 more transcripts).
Identifiers: ClinVar variation 2922391 (VCV002922391.10), dbSNP rs777036089, ClinGen allele CA7191709.

ClinVar aggregate classification (germline): Likely benign. Review status: criteria provided, multiple submitters, no conflicts (2 of 4 stars). 2 submissions from 2 submitters: Likely benign (2). Last evaluated 2025-09-22.

Conditions:
Microphthalmia with brain and digit anomalies (MCOPS6). Also called: MICROPHTHALMIA AND PITUITARY ANOMALIES; Microphthalmia, syndromic 6. Identifiers: Orphanet 139471, MedGen C1864689, MONDO:0011936, OMIM 607932.
Orofacial cleft 11 (OFC11). Also called: CLEFT LIP WITH OR WITHOUT CLEFT PALATE, NONSYNDROMIC, 11; Orofacial cleft 11; ofc11. Identifiers: MedGen C2677434, MONDO:0010906, OMIM 600625.

Allele frequency attached by ClinVar (database versions not stated): gnomAD exomes 0.00001; ExAC 0.00006; gnomAD 0.00013; TOPMed 0.00022.
gnomAD v4.1: 35 of 1,614,124 alleles (0.0022%); highest among the groups gnomAD compares: African/African-American, 0.047%; no homozygotes.

Submissions (2):

Labcorp Genetics (formerly Invitae), Labcorp
Classification: Likely benign for Microphthalmia with brain and digit anomalies; Orofacial cleft 11. Last evaluated: 2025-09-22. Review status: criteria provided, single submitter. Criteria: Invitae Variant Classification Sherloc (09022015). Collection method: clinical testing. Allele origin: germline.

CeGaT Center for Human Genetics Tuebingen
Classification: Likely benign. Last evaluated: 2025-09-01. Review status: criteria provided, single submitter. Criteria: CeGaT Center For Human Genetics Tuebingen Variant Classification Criteria Version 2. Collection method: clinical testing. Allele origin: germline. Affected: yes. Observed: 1 variant allele.
Comment: BMP4: BP4